The following is an entry in ClinVar:

NM_000257.4(MYH7):c.4515G>T (p.Leu1505=)

Genes: MHRT (myosin heavy chain associated RNA transcript; plus strand), MYH7 (myosin heavy chain 7; minus strand). Cytogenetic location: 14q11.2.
Variant type: single nucleotide variant.
Coding change: c.4515G>T on transcript NM_000257.4 (MANE Select); coding-DNA position 4515, G replaced by T.
Protein change: p.Leu1505=; no amino-acid change (leucine 1505 retained).
Molecular consequence: synonymous variant.
Genome position (GRCh38, 1-based): chr14:23,417,157, C>A on the plus strand (G>T on the coding strand, the complement: MYH7 is on the minus strand). VCF-style: chr14-23417157-C-A. GRCh37 (hg19) VCF-style: chr14-23886366-C-A.
Identifiers: ClinVar variation 43022 (VCV000043022.41), dbSNP rs397516219, ClinGen allele CA015052.

ClinVar aggregate classification (germline): Likely benign. Review status: criteria provided, multiple submitters, no conflicts (2 of 4 stars). 9 submissions from 9 submitters: Likely benign (7). 2 of the submissions do not count toward it. Last evaluated 2026-01-19.

Conditions:
Cardiovascular phenotype. Identifiers: MedGen CN230736.
Cardiomyopathy (CMYO). Also called: Cardiomyopathies. Identifiers: Orphanet 167848, MedGen C0878544, MONDO:0004994, HP:0001638. Inheritance: Various modes of inheritance.
Hypertrophic cardiomyopathy. Also called: HYPERTROPHIC MYOCARDIOPATHY. Identifiers: Orphanet 217569, MedGen C0007194, MeSH D002312, MONDO:0005045, HP:0001639.

Allele frequency attached by ClinVar (database versions not stated): TOPMed 0.00002; 1000 Genomes Project 30x 0.00031.
gnomAD v4.1: 45 of 1,614,186 alleles (0.0028%); highest among the groups gnomAD compares: Middle Eastern, 0.033%; no homozygotes.

Submissions (9):

Labcorp Genetics (formerly Invitae), Labcorp
Classification: Likely benign for Hypertrophic cardiomyopathy. Last evaluated: 2026-01-19. Review status: criteria provided, single submitter. Criteria: Invitae Variant Classification Sherloc (09022015). Collection method: clinical testing. Allele origin: germline.

ARUP Laboratories, Molecular Genetics and Genomics, ARUP Laboratories
Classification: Likely benign. Last evaluated: 2024-10-10. Review status: criteria provided, single submitter. Criteria: ARUP Molecular Germline Variant Investigation Process 2024. Collection method: clinical testing. Allele origin: germline.

CeGaT Center for Human Genetics Tuebingen
Classification: Likely benign. Last evaluated: 2024-04-01. Review status: criteria provided, single submitter. Criteria: CeGaT Center For Human Genetics Tuebingen Variant Classification Criteria Version 2. Collection method: clinical testing. Allele origin: germline. Affected: yes. Observed: 1 variant allele.
Comment: MYH7: BP4, BP7

Blueprint Genetics
Classification: Likely benign. Last evaluated: 2024-02-16. Review status: criteria provided, single submitter. Criteria: ACMG Guidelines, 2015. Collection method: clinical testing. Allele origin: germline.

Ambry Genetics
Classification: Likely benign for Cardiovascular phenotype. Last evaluated: 2022-10-17. Review status: criteria provided, single submitter. Criteria: Ambry Variant Classification Scheme 2023. Collection method: clinical testing. Allele origin: germline.

Color Diagnostics, LLC DBA Color Health
Classification: Likely benign for Cardiomyopathy. Last evaluated: 2018-11-08. Review status: criteria provided, single submitter. Criteria: ACMG Guidelines, 2015. Collection method: clinical testing. Allele origin: germline.

Laboratory for Molecular Medicine, Mass General Brigham Personalized Medicine
Classification: Likely benign. Last evaluated: 2014-10-28. Review status: criteria provided, single submitter. Criteria: LMM Criteria. Collection method: clinical testing. Allele origin: germline. Observed: 2 variant alleles.
Comment: p.Leu1505Leu in exon 32 of MYH7: This variant is not expected to have clinical s ignificance because it does not alter an amino acid residue and is not located w ithin the splice consensus sequence.

Clinical Genetics DNA and cytogenetics Diagnostics Lab, Erasmus MC, Erasmus Medical Center
Classification: Likely benign. Review status: no assertion criteria provided. Collection method: clinical testing. Allele origin: germline. Affected: yes. Study: VKGL Data-share Consensus. Not counted in ClinVar's aggregate classification.

Joint Genome Diagnostic Labs from Nijmegen and Maastricht, Radboudumc and MUMC+
Classification: Likely benign. Review status: no assertion criteria provided. Collection method: clinical testing. Allele origin: germline. Affected: yes. Study: VKGL Data-share Consensus. Not counted in ClinVar's aggregate classification.